The following is an entry in ClinVar:

ClinVar aggregate classification (germline): Likely benign (0 of 4 stars; one submission).

Conditions:
ZMYM2-related disorder. Also called: ZMYM2-related condition.

Allele frequency attached by ClinVar (database versions not stated): gnomAD exomes below 0.00001; TOPMed below 0.00001.
gnomAD v4.1: 1 of 1,583,264 alleles (0.000063%); highest among the groups gnomAD compares: Non-Finnish European, 0.000086%; no homozygotes.

Submission:

PreventionGenetics, part of Exact Sciences
Classification: Likely benign for ZMYM2-related condition. Last evaluated: 2019-04-01. Review status: no assertion criteria provided. Collection method: clinical testing. Allele origin: germline.
Comment: This variant is classified as likely benign based on ACMG/AMP sequence variant interpretation guidelines (Richards et al. 2015 PMID: 25741868, with internal and published modifications).

NM_197968.4(ZMYM2):c.-7C>T

Gene: ZMYM2 (zinc finger MYM-type containing 2; plus strand). Cytogenetic location: 13q12.11.
Variant type: single nucleotide variant.
Coding change: c.-7C>T on transcript NM_197968.4 (MANE Select); 7 bases upstream of the start codon, C replaced by T.
Molecular consequence: 5 prime UTR variant. On other transcripts: synonymous variant (1), non-coding transcript variant (1).
Genome position (GRCh38, 1-based): chr13:19,993,066, C>T. VCF-style: chr13-19993066-C-T. GRCh37 (hg19) VCF-style: chr13-20567206-C-T.
Other names: c.-7C>T (NM_001190964.4, NM_001190965.4, NM_001353157.2 and 6 more transcripts); c.60C>T, p.Phe20= (NM_001353161.3).
Identifiers: ClinVar variation 3057622 (VCV003057622.2), dbSNP rs1341252233, ClinGen allele CA696315054.